The following is an entry in ClinVar:

NM_002458.3(MUC5B):c.757G>A (p.Gly253Ser)

Gene: MUC5B (mucin 5B, oligomeric mucus/gel-forming; plus strand). Cytogenetic location: 11p15.5.
Variant type: single nucleotide variant.
Coding change: c.757G>A on transcript NM_002458.3 (MANE Select); coding-DNA position 757, G replaced by A.
Protein change: p.Gly253Ser; replaces glycine 253 with serine.
Molecular consequence: missense variant.
Genome position (GRCh38, 1-based): chr11:1,227,764, G>A. VCF-style: chr11-1227764-G-A. GRCh37 (hg19) VCF-style: chr11-1248994-G-A.
Other names: short protein forms G253S.
Identifiers: ClinVar variation 178784 (VCV000178784.9), dbSNP rs56179538, ClinGen allele CA183033.

ClinVar aggregate classification (germline): Benign. Review status: criteria provided, multiple submitters, no conflicts (2 of 4 stars). 3 submissions from 3 submitters: Benign (3). Last evaluated 2015-07-22.

Allele frequency attached by ClinVar (database versions not stated): 1000 Genomes Project 0.02516; gnomAD exomes 0.00435 and 0.00750; gnomAD 0.02825 and 0.02625; TOPMed 0.02995; ExAC 0.01200; 1000 Genomes Project 30x 0.02826; ESP Exome Variant Server 0.02372.
gnomAD v4.1: 6,605 of 717,660 alleles (0.92%); highest among the groups gnomAD compares: African/African-American, 8.7%; 248 homozygotes.

Submissions (3):

Eurofins Ntd Llc (ga)
Classification: Benign. Last evaluated: 2015-07-22. Review status: criteria provided, single submitter. Criteria: EGL Classification Definitions 2015. Collection method: clinical testing. Allele origin: germline. Observed: 1 variant allele, 1 heterozygote.

Laboratory for Molecular Medicine, Mass General Brigham Personalized Medicine
Classification: Benign. Last evaluated: 2013-02-21. Review status: criteria provided, single submitter. Criteria: LMM Criteria. Collection method: clinical testing. Allele origin: germline. Observed: 2 variant alleles.
Comment: Gly253Ser in exon 7 of MUC5B: This variant is not expected to have clinical sign ificance because it has been identified in 7.0% (259/3694) of African American c hromosomes from a broad population by the NHLBI Exome Sequencing Project (dbSNP rs56179538).

Breakthrough Genomics
Classification: Benign. Review status: criteria provided, single submitter. Criteria: ACMG Guidelines, 2015. Collection method: not provided. Allele origin: germline. Inheritance: Autosomal dominant inheritance. Affected: yes.